The following is an entry in ClinVar:

NM_000444.6(PHEX):c.1216T>C (p.Cys406Arg)

Gene: PHEX (phosphate regulating endopeptidase X-linked; plus strand). Cytogenetic location: Xp22.11.
Variant type: single nucleotide variant.
Coding change: c.1216T>C on transcript NM_000444.6 (MANE Select); coding-DNA position 1216, T replaced by C.
Protein change: p.Cys406Arg; replaces cysteine 406 with arginine.
Molecular consequence: missense variant.
Genome position (GRCh38, 1-based): chrX:22,114,500, T>C. VCF-style: chrX-22114500-T-C. GRCh37 (hg19) VCF-style: chrX-22132618-T-C.
Other names: c.1216T>C, p.Cys406Arg (NM_001282754.2); short protein forms C406R.
Identifiers: ClinVar variation 438566 (VCV000438566.12), dbSNP rs1556030465, ClinGen allele CA412573387.

ClinVar aggregate classification (germline): Pathogenic. Review status: criteria provided, multiple submitters, no conflicts (2 of 4 stars). 2 submissions from 2 submitters: Pathogenic (2). Last evaluated 2020-07-10.

Conditions:
Familial X-linked hypophosphatemic vitamin D refractory rickets (XLHRD). Also called: X-Linked Hypophosphatemia; Hypophosphatemic Rickets, X-Linked Dominant; HYPOPHOSPHATEMIC VITAMIN D-RESISTANT RICKETS; Hypophosphatemia, vitamin D-resistant rickets; Vitamin D-resistant rickets, X-linked. Identifiers: Orphanet 89936, MedGen C0733682, MONDO:0010619, OMIM 307800.

Submissions (2):

Labcorp Genetics (formerly Invitae), Labcorp
Classification: Pathogenic. Last evaluated: 2020-07-10. Review status: criteria provided, single submitter. Criteria: Invitae Variant Classification Sherloc (09022015). Collection method: clinical testing. Allele origin: germline.
Comment: This sequence change replaces cysteine with arginine at codon 406 of the PHEX protein (p.Cys406Arg). The cysteine residue is highly conserved and there is a large physicochemical difference between cysteine and arginine. This variant is not present in population databases (ExAC no frequency). For these reasons, this variant has been classified as Pathogenic. This variant disrupts the p.Cys406 amino acid residue in PHEX. Other variant(s) that disrupt this residue have been observed in individuals with PHEX-related conditions (PMID: 29505567, 23079138, 29460029), which suggests that this may be a clinically significant amino acid residue. Algorithms developed to predict the effect of missense changes on protein structure and function (SIFT, PolyPhen-2, Align-GVGD) all suggest that this variant is likely to be disruptive, but these predictions have not been confirmed by published functional studies and their clinical significance is uncertain. This variant has been observed in an individual affected with X-linked hypophosphatemia (PMID: 24756041, Invitae). In at least one individual the variant was observed to be de novo. ClinVar contains an entry for this variant (Variation ID: 438566).

Institute of Human Genetics Munich, TUM University Hospital
Classification: Pathogenic for Familial X-linked hypophosphatemic vitamin D refractory rickets. Last evaluated: 2017-06-12. Review status: criteria provided, single submitter. Criteria: Classification criteria August 2017. Collection method: clinical testing. Allele origin: germline. Inheritance: X-linked inheritance. Affected: yes. Observed: 1 heterozygote.

Literature cited by the submitters: PubMed 29505567 (cited by Labcorp Genetics (formerly Invitae), Labcorp); PubMed 23079138 (cited by Labcorp Genetics (formerly Invitae), Labcorp); PubMed 29460029 (cited by Labcorp Genetics (formerly Invitae), Labcorp); PubMed 24756041 (cited by Labcorp Genetics (formerly Invitae), Labcorp).